The following is an entry in ClinVar:

ClinVar aggregate classification (germline): Uncertain significance (1 of 4 stars; one submission).

Submission:

GeneDx
Classification: Uncertain significance. Last evaluated: 2025-07-21. Review status: criteria provided, single submitter. Criteria: GeneDx Variant Classification Process June 2021. Collection method: clinical testing. Allele origin: germline. Affected: yes.
Comment: Not observed at significant frequency in large population cohorts (gnomAD); In silico analysis suggests that this missense variant does not alter protein structure/function; Has not been previously published as pathogenic or benign to our knowledge; This variant is associated with the following publications: (PMID: 22542517)

NM_001101362.3(KBTBD13):c.82C>G (p.His28Asp)

Gene: KBTBD13 (kelch repeat and BTB domain containing 13; plus strand). Cytogenetic location: 15q22.31.
Variant type: single nucleotide variant.
Coding change: c.82C>G on transcript NM_001101362.3 (MANE Select); coding-DNA position 82, C replaced by G.
Protein change: p.His28Asp; replaces histidine 28 with aspartic acid.
Molecular consequence: missense variant.
Genome position (GRCh38, 1-based): chr15:65,076,897, C>G. VCF-style: chr15-65076897-C-G. GRCh37 (hg19) VCF-style: chr15-65369235-C-G.
Other names: short protein forms H28D.
Identifiers: ClinVar variation 4686891 (VCV004686891.1).
Genomic context (GRCh38, chr15:65,076,897, plus strand): 5'-CTGGTGCAGGTGTGGGTGGGCGGCCAGCTCTTCCAAGCCGACCGCGCCCTGCTGGTGGAG[C>G]ACTGTGGCTTCTTCCGAGGCCTCTTCCGCTCCGGCATGCGGGAGACCCGCGCAGCAGAGG-3'
Protein context (NP_001094832.1, residues 18-38): FQADRALLVE[His28Asp]CGFFRGLFRS